The following is an entry in ClinVar:

ClinVar aggregate classification (germline): Uncertain significance (1 of 4 stars; one submission).

Conditions:
Generalized epilepsy-paroxysmal dyskinesia syndrome (PNKD3). Also called: Generalized epilepsy and paroxysmal dyskinesia; Paroxysmal nonkinesigenic dyskinesia, 3, with or without generalized epilepsy. Identifiers: Orphanet 79137, MedGen C5574945, MONDO:0012276, OMIM 609446.

Allele frequency attached by ClinVar (database versions not stated): gnomAD exomes below 0.00001.

Submission:

Labcorp Genetics (formerly Invitae), Labcorp
Classification: Uncertain significance for Generalized epilepsy-paroxysmal dyskinesia syndrome. Last evaluated: 2025-05-22. Review status: criteria provided, single submitter. Criteria: Invitae Variant Classification Sherloc (09022015). Collection method: clinical testing. Allele origin: germline.
Comment: This sequence change replaces serine, which is neutral and polar, with proline, which is neutral and non-polar, at codon 447 of the KCNMA1 protein (p.Ser447Pro). This variant is not present in population databases (gnomAD no frequency). This variant has not been reported in the literature in individuals affected with KCNMA1-related conditions. ClinVar contains an entry for this variant (Variation ID: 2822393). Invitae Evidence Modeling of protein sequence and biophysical properties (such as structural, functional, and spatial information, amino acid conservation, physicochemical variation, residue mobility, and thermodynamic stability) indicates that this missense variant is not expected to disrupt KCNMA1 protein function with a negative predictive value of 80%. In summary, the available evidence is currently insufficient to determine the role of this variant in disease. Therefore, it has been classified as a Variant of Uncertain Significance.

NM_001161352.2(KCNMA1):c.1339T>C (p.Ser447Pro)

Gene: KCNMA1 (potassium calcium-activated channel subfamily M alpha 1; minus strand). Cytogenetic location: 10q22.3.
Variant type: single nucleotide variant.
Coding change: c.1339T>C on transcript NM_001161352.2 (MANE Select); coding-DNA position 1339, T replaced by C.
Protein change: p.Ser447Pro; replaces serine 447 with proline.
Molecular consequence: missense variant.
Genome position (GRCh38, 1-based): chr10:77,086,589, A>G on the plus strand (T>C on the coding strand, the complement: KCNMA1 is on the minus strand). VCF-style: chr10-77086589-A-G. GRCh37 (hg19) VCF-style: chr10-78846347-A-G.
Other names: c.1339T>C, p.Ser447Pro (NM_001014797.3, NM_001161353.2, NM_001271519.2 and 8 more transcripts); c.1177T>C, p.Ser393Pro (NM_001271518.2); c.799T>C, p.Ser267Pro (NM_001322838.2); short protein forms S267P, S447P, S393P.
Identifiers: ClinVar variation 2822393 (VCV002822393.3), dbSNP rs2550872355, ClinGen allele CA377407025.